The following is an entry in ClinVar:

NM_001048174.2(MUTYH):c.1159C>G (p.Leu387Val)

Gene: MUTYH (mutY DNA glycosylase; minus strand). Cytogenetic location: 1p34.1.
Variant type: single nucleotide variant.
Coding change: c.1159C>G on transcript NM_001048174.2 (MANE Select); coding-DNA position 1159, C replaced by G.
Protein change: p.Leu387Val; replaces leucine 387 with valine.
Molecular consequence: missense variant. On other transcripts: non-coding transcript variant (2).
Genome position (GRCh38, 1-based): chr1:45,331,500, G>C on the plus strand (C>G on the coding strand, the complement: MUTYH is on the minus strand). VCF-style: chr1-45331500-G-C. GRCh37 (hg19) VCF-style: chr1-45797172-G-C.
Other names: c.1159C>G, p.Leu387Val (NM_001407081.1, NM_001407088.1, NM_001407089.1 and 6 more transcripts); c.814C>G, p.Leu272Val (NM_001407082.1, NM_001350650.2, NM_001350651.2); c.1201C>G, p.Leu401Val (NM_001407083.1, NM_001407085.1); c.1162C>G, p.Leu388Val (NM_001407086.1, NM_001048172.2, NM_001407071.1 and 1 more transcripts); c.1180C>G, p.Leu394Val (NM_001407087.1); c.883C>G, p.Leu295Val (NM_001407091.1, NM_001293192.2, NM_001293196.2); c.1234C>G, p.Leu412Val (NM_012222.3); c.1243C>G, p.Leu415Val (NM_001128425.2); and 5 more; short protein forms L272V, L394V, L402V, L295V, L359V, L374V, L387V, L398V.
Identifiers: ClinVar variation 1758837 (VCV001758837.6), dbSNP rs1557460984, ClinGen allele CA340132979.
Genomic context (GRCh38, chr1:45,331,500, plus strand): 5'-GCGTGGCTGGGAGGGGCCCAGCCCAACGCTGTAGTTCCTGCAGCAGGGCCTTGCGCTGAA[G>C]CTGCTCTGAGGGCTCCCAGGTCACGGACGGGAACTCCCACAGTCCTGCCAGCAGACCTGA-3'
Protein context (NP_001041639.1, residues 377-397): PSVTWEPSEQ[Leu387Val]QRKALLQELQ

ClinVar aggregate classification (germline): Conflicting classifications of pathogenicity. Review status: criteria provided, conflicting classifications (1 of 4 stars). 2 submissions from 2 submitters: Uncertain significance (1); Benign (1). Last evaluated 2025-11-24.

Conditions:
Hereditary cancer-predisposing syndrome. Also called: Hereditary Cancer Syndrome; Hereditary neoplastic syndrome; Neoplastic Syndromes, Hereditary; Tumor predisposition. Identifiers: Orphanet 140162, MedGen C0027672, MeSH D009386, MONDO:0015356.
Familial adenomatous polyposis 2. Also called: MUTYH-associated polyposis; MUTYH-related attenuated familial adenomatous polyposis; FAP type 2; Adenomas, multiple colorectal; MYH-associated polyposis; MUTYH Polyposis. Identifiers: Orphanet 220460, Orphanet 247798, MedGen C3272841, MONDO:0012041, OMIM 608456.

Submissions (2):

Labcorp Genetics (formerly Invitae), Labcorp
Classification: Uncertain significance for Familial adenomatous polyposis 2. Last evaluated: 2025-11-24. Review status: criteria provided, single submitter. Criteria: Invitae Variant Classification Sherloc (09022015). Collection method: clinical testing. Allele origin: germline.
Comment: This sequence change replaces leucine, which is neutral and non-polar, with valine, which is neutral and non-polar, at codon 415 of the MUTYH protein (p.Leu415Val). This variant is not present in population databases (gnomAD no frequency). This variant has not been reported in the literature in individuals affected with MUTYH-related conditions. ClinVar contains an entry for this variant (Variation ID: 1758837). An algorithm developed to predict the effect of missense changes on protein structure and function outputs the following: PolyPhen-2: "Benign". The valine amino acid residue is found in multiple mammalian species, which suggests that this missense change does not adversely affect protein function. In summary, the available evidence is currently insufficient to determine the role of this variant in disease. Therefore, it has been classified as a Variant of Uncertain Significance.

Ambry Genetics
Classification: Benign for Hereditary cancer-predisposing syndrome. Last evaluated: 2025-09-09. Review status: criteria provided, single submitter. Criteria: Ambry Variant Classification Scheme 2023. Collection method: clinical testing. Allele origin: germline.